The following is an entry in ClinVar:

NM_139137.4(KCNC2):c.1706A>G (p.Asn569Ser)

Gene: KCNC2 (potassium voltage-gated channel subfamily C member 2; minus strand). Cytogenetic location: 12q21.1.
Variant type: single nucleotide variant.
Coding change: c.1706A>G on transcript NM_139137.4 (MANE Select); coding-DNA position 1706, A replaced by G.
Protein change: p.Asn569Ser; replaces asparagine 569 with serine.
Molecular consequence: missense variant. On other transcripts: non-coding transcript variant (2), intron variant (4).
Genome position (GRCh38, 1-based): chr12:75,048,227, T>C on the plus strand (A>G on the coding strand, the complement: KCNC2 is on the minus strand). VCF-style: chr12-75048227-T-C. GRCh37 (hg19) VCF-style: chr12-75442007-T-C.
Other names: c.1706A>G, p.Asn569Ser (NM_001260497.2, NM_001260498.2, NM_001414192.1 and 4 more transcripts); c.1655A>G, p.Asn552Ser (NM_001414194.1, NM_001414198.1); c.1810A>G, p.Thr604Ala (NM_001414202.1, NM_001414206.1, NM_001414213.1); c.1615+2163A>G (NM_001414199.1, NM_153748.3, NM_001260499.2); c.1762+1615A>G (NM_001414197.1); short protein forms N552S, N569S, T604A.
Identifiers: ClinVar variation 4821293 (VCV004821293.4).

ClinVar aggregate classification (germline): Likely benign (1 of 4 stars; one submission).

gnomAD v4.1: 4,105 of 1,613,000 alleles (0.25%); highest among the groups gnomAD compares: Non-Finnish European, 0.019%; 115 homozygotes.

Submission:

CeGaT Center for Human Genetics Tuebingen
Classification: Likely benign. Last evaluated: 2026-01-01. Review status: criteria provided, single submitter. Criteria: CeGaT Center For Human Genetics Tuebingen Variant Classification Criteria Version 2. Collection method: clinical testing. Allele origin: germline. Affected: yes. Observed: 1 variant allele.
Comment: KCNC2: BS2